The following is an entry in ClinVar:

Single allele

Genes: ALDOA (aldolase, fructose-bisphosphate A; plus strand), ASPHD1 (aspartate beta-hydroxylase domain containing 1; plus strand), C16orf54 (chromosome 16 open reading frame 54; minus strand), CDIPT (CDP-diacylglycerol--inositol 3-phosphatidyltransferase; minus strand), CORO1A (coronin 1A; plus strand) and 22 more. Cytogenetic location: 16p11.2.
Variant type: Deletion.
Identifiers: ClinVar variation 5043569 (VCV005043569.1).

ClinVar aggregate classification (germline): Pathogenic (1 of 4 stars; one submission).

Conditions:
Proximal 16p11.2 microdeletion syndrome. Also called: CHROMOSOME 16p11.2 DELETION SYNDROME, 593-KB; Chromosome 16p11.2 deletion syndrome; 16p11.2 Recurrent Deletion. Identifiers: Orphanet 261197, MedGen C3150154, MONDO:0012756, OMIM 611913.

Submission:

Department of Prenatal Diagnosis, Henan Provincial People’s Hospital
Classification: Pathogenic for Proximal 16p11.2 microdeletion syndrome. Last evaluated: 2026-11-25. Review status: criteria provided, single submitter. Criteria: ACMG/ClinGen CNV Guidelines, 2019. Collection method: research. Allele origin: de novo, maternal, germline, paternal. Affected: yes and no. Observed: 14 variant alleles.
Comment: During the prenatal stage, a 560-kb heterozygous deletion (29640000-30200000) within the 16p11.2 region was identified in fourteen fetuses. Based on the "ACMG/ClinGen CNV Guidelines" (2019, PMID: 31690835), this deletion encompasses the established haploinsufficiency genomic region-16p11.2 recurrent region (proximal, BP4-BP5) (includes TBX6)，which satisfies the criteria for Evidence Type 2A and is assigned a score of 1. As a result, the observed copy number deletion in this case achieves a cumulative score of ≥0.99, classifying it as a pathogenic copy number variant.